The following is an entry in ClinVar:

ClinVar aggregate classification (germline): Uncertain significance (1 of 4 stars; one submission).

Conditions:
Congenital myopathy with internal nuclei and atypical cores. Also called: Myopathy, centronuclear, 4. Identifiers: Orphanet 319160, MedGen C4707232, MONDO:0013890, OMIM 614807.

gnomAD v4.1: 1 of 1,587,664 alleles (0.000063%); highest among the groups gnomAD compares: East Asian, 0.0022%; no homozygotes.

Submission:

Labcorp Genetics (formerly Invitae), Labcorp
Classification: Uncertain significance for Congenital myopathy with internal nuclei and atypical cores. Last evaluated: 2025-04-17. Review status: criteria provided, single submitter. Criteria: Invitae Variant Classification Sherloc (09022015). Collection method: clinical testing. Allele origin: germline.
Comment: This sequence change falls in intron 10 of the CCDC78 gene. It does not directly change the encoded amino acid sequence of the CCDC78 protein. It affects a nucleotide within the consensus splice site. This variant is not present in population databases (gnomAD no frequency). This variant has not been reported in the literature in individuals affected with CCDC78-related conditions. Variants that disrupt the consensus splice site are a relatively common cause of aberrant splicing (PMID: 17576681, 9536098). Algorithms developed to predict the effect of sequence changes on RNA splicing suggest that this variant may disrupt the consensus splice site. In summary, the available evidence is currently insufficient to determine the role of this variant in disease. Therefore, it has been classified as a Variant of Uncertain Significance.

Literature cited by the submitters: PubMed 17576681; PubMed 9536098.

NM_001378030.1(CCDC78):c.1053+5G>T

Gene: CCDC78 (coiled-coil domain containing 78; minus strand). Cytogenetic location: 16p13.3.
Variant type: single nucleotide variant.
Coding change: c.1053+5G>T on transcript NM_001378030.1 (MANE Select); 5 bases into the intron after coding-DNA position 1053, G replaced by T.
Molecular consequence: intron variant.
Genome position (GRCh38, 1-based): chr16:724,101, C>A on the plus strand (G>T on the coding strand, the complement: CCDC78 is on the minus strand). VCF-style: chr16-724101-C-A. GRCh37 (hg19) VCF-style: chr16-774101-C-A.
Other names: c.486+5G>T (NM_001378033.1); c.953+221G>T (NM_001378031.1); c.1053+5G>T (NM_001031737.3).
Identifiers: ClinVar variation 4716783 (VCV004716783.1).